The following is an entry in ClinVar:

NM_000090.4(COL3A1):c.3025G>C (p.Glu1009Gln)

Gene: COL3A1 (collagen type III alpha 1 chain; plus strand). Cytogenetic location: 2q32.2.
Variant type: single nucleotide variant.
Coding change: c.3025G>C on transcript NM_000090.4 (MANE Select); coding-DNA position 3025, G replaced by C.
Protein change: p.Glu1009Gln; replaces glutamic acid 1009 with glutamine.
Molecular consequence: missense variant.
Genome position (GRCh38, 1-based): chr2:189,005,443, G>C. VCF-style: chr2-189005443-G-C. GRCh37 (hg19) VCF-style: chr2-189870169-G-C.
Other names: short protein forms E1009Q.
Identifiers: ClinVar variation 2779259 (VCV002779259.4), dbSNP rs1468768980, ClinGen allele CA349844848.

ClinVar aggregate classification (germline): Uncertain significance. Review status: criteria provided, multiple submitters, no conflicts (2 of 4 stars). 2 submissions from 2 submitters: Uncertain significance (2). Last evaluated 2024-03-12.

Conditions:
Ehlers-Danlos syndrome, type 4 (EDSVASC). Also called: Ehlers-Danlos Syndrome Type IV; Ehlers-Danlos syndrome vascular type; Ehlers Danlos syndrome, ecchymotic type; Ehlers Danlos syndrome, arterial type; Ehlers Danlos syndrome, Sack-Barabas type. Identifiers: Orphanet 286, MedGen C0268338, MONDO:0017314, OMIM 130050.

gnomAD v4.1: 6 of 1,613,896 alleles (0.00037%); highest among the groups gnomAD compares: Non-Finnish European, 0.00051%; no homozygotes.

Submissions (2):

Blueprint Genetics
Classification: Uncertain significance. Last evaluated: 2024-03-12. Review status: criteria provided, single submitter. Criteria: ACMG Guidelines, 2015. Collection method: clinical testing. Allele origin: germline.

Labcorp Genetics (formerly Invitae), Labcorp
Classification: Uncertain significance for Ehlers-Danlos syndrome, type 4. Last evaluated: 2023-08-30. Review status: criteria provided, single submitter. Criteria: Invitae Variant Classification Sherloc (09022015). Collection method: clinical testing. Allele origin: germline.
Comment: In summary, the available evidence is currently insufficient to determine the role of this variant in disease. Therefore, it has been classified as a Variant of Uncertain Significance. Advanced modeling of protein sequence and biophysical properties (such as structural, functional, and spatial information, amino acid conservation, physicochemical variation, residue mobility, and thermodynamic stability) has been performed at Invitae for this missense variant, however the output from this modeling did not meet the statistical confidence thresholds required to predict the impact of this variant on COL3A1 protein function. This variant has not been reported in the literature in individuals affected with COL3A1-related conditions. This variant is present in population databases (no rsID available, gnomAD 0.0009%). This sequence change replaces glutamic acid, which is acidic and polar, with glutamine, which is neutral and polar, at codon 1009 of the COL3A1 protein (p.Glu1009Gln).